The following is an entry in ClinVar:

ClinVar aggregate classification (germline): Uncertain significance (1 of 4 stars; one submission).

Conditions:
Hereditary cancer-predisposing syndrome. Also called: Neoplastic Syndromes, Hereditary; Tumor predisposition; Hereditary Cancer Syndrome; Hereditary neoplastic syndrome. Identifiers: Orphanet 140162, MedGen C0027672, MeSH D009386, MONDO:0015356.

Submission:

Ambry Genetics
Classification: Uncertain significance for Hereditary cancer-predisposing syndrome. Last evaluated: 2019-12-30. Review status: criteria provided, single submitter. Criteria: Ambry Variant Classification Scheme 2023. Collection method: clinical testing. Allele origin: germline.
Comment: The p.I1158K variant (also known as c.3473T>A), located in coding exon 23 of the ATM gene, results from a T to A substitution at nucleotide position 3473. The isoleucine at codon 1158 is replaced by lysine, an amino acid with dissimilar properties. This amino acid position is not well conserved in available vertebrate species. In addition, the in silico prediction for this alteration is inconclusive. Since supporting evidence is limited at this time, the clinical significance of this alteration remains unclear.

NM_000051.4(ATM):c.3473T>A (p.Ile1158Lys)

Gene: ATM (ATM serine/threonine kinase; plus strand). Cytogenetic location: 11q22.3.
Variant type: single nucleotide variant.
Coding change: c.3473T>A on transcript NM_000051.4 (MANE Select); coding-DNA position 3473, T replaced by A.
Protein change: p.Ile1158Lys; replaces isoleucine 1158 with lysine.
Molecular consequence: missense variant.
Genome position (GRCh38, 1-based): chr11:108,281,065, T>A. VCF-style: chr11-108281065-T-A. GRCh37 (hg19) VCF-style: chr11-108151792-T-A.
Other names: c.3473T>A, p.Ile1158Lys (NM_001351834.2); short protein forms I1158K.
Identifiers: ClinVar variation 1731761 (VCV001731761.2), dbSNP rs1060501588, ClinGen allele CA382519467.
Genomic context (GRCh38, chr11:108,281,065, plus strand): 5'-CTGAGAACCCTGAAACTTTGGATGAAATTTATAATAGAAAATCTGTTTTACTGACGTTGA[T>A]AGCTGTGGTTTTATCCTGTAGCCCTATCTGCGAAAAACAGGCTTTGTTTGCCCTGTGTAA-3'
Protein context (NP_000042.3, residues 1148-1168): YNRKSVLLTL[Ile1158Lys]AVVLSCSPIC